The following is an entry in ClinVar:

NM_170606.3(KMT2C):c.3235G>T (p.Ala1079Ser)

Gene: KMT2C (lysine methyltransferase 2C; minus strand). Cytogenetic location: 7q36.1.
Variant type: single nucleotide variant.
Coding change: c.3235G>T on transcript NM_170606.3 (MANE Select); coding-DNA position 3235, G replaced by T.
Protein change: p.Ala1079Ser; replaces alanine 1079 with serine.
Molecular consequence: missense variant.
Genome position (GRCh38, 1-based): chr7:152,224,103, C>A on the plus strand (G>T on the coding strand, the complement: KMT2C is on the minus strand). VCF-style: chr7-152224103-C-A. GRCh37 (hg19) VCF-style: chr7-151921188-C-A.
Other names: short protein forms A1079S.
Identifiers: ClinVar variation 4778131 (VCV004778131.1).

ClinVar aggregate classification (germline): Uncertain significance (1 of 4 stars; one submission).

Submission:

Labcorp Genetics (formerly Invitae), Labcorp
Classification: Uncertain significance. Last evaluated: 2025-10-19. Review status: criteria provided, single submitter. Criteria: Invitae Variant Classification Sherloc (09022015). Collection method: clinical testing. Allele origin: germline.
Comment: This sequence change replaces alanine, which is neutral and non-polar, with serine, which is neutral and polar, at codon 1079 of the KMT2C protein (p.Ala1079Ser). This variant is not present in population databases (gnomAD no frequency). This variant has not been reported in the literature in individuals affected with KMT2C-related conditions. Invitae Evidence Modeling of protein sequence and biophysical properties (such as structural, functional, and spatial information, amino acid conservation, physicochemical variation, residue mobility, and thermodynamic stability) indicates that this missense variant is expected to disrupt KMT2C protein function with a positive predictive value of 80%. In summary, the available evidence is currently insufficient to determine the role of this variant in disease. Therefore, it has been classified as a Variant of Uncertain Significance.